The following is an entry in ClinVar:

NM_006005.3(WFS1):c.2103C>T (p.Thr701=)

Gene: WFS1 (wolframin ER transmembrane glycoprotein; plus strand). Cytogenetic location: 4p16.1.
Variant type: single nucleotide variant.
Coding change: c.2103C>T on transcript NM_006005.3 (MANE Select); coding-DNA position 2103, C replaced by T.
Protein change: p.Thr701=; no amino-acid change (threonine 701 retained).
Molecular consequence: synonymous variant.
Genome position (GRCh38, 1-based): chr4:6,301,898, C>T. VCF-style: chr4-6301898-C-T. GRCh37 (hg19) VCF-style: chr4-6303625-C-T.
Other names: c.2103C>T, p.Thr701= (NM_001145853.1).
Identifiers: ClinVar variation 166603 (VCV000166603.15), dbSNP rs113800346, ClinGen allele CA179667.

ClinVar aggregate classification (germline): Benign/Likely benign. Review status: criteria provided, multiple submitters, no conflicts (2 of 4 stars). 5 submissions from 5 submitters: Benign (1); Likely benign (4). Last evaluated 2025-09-11.

Conditions:
Wolfram syndrome 1 (WFS1). Identifiers: Orphanet 3463, MedGen C4551693, MONDO:0009101, OMIM 222300.

Allele frequency attached by ClinVar (database versions not stated): TOPMed 0.00005; gnomAD exomes 0.00006; ExAC 0.00007; gnomAD 0.00008.
gnomAD v4.1: 111 of 1,612,826 alleles (0.0069%); highest among the groups gnomAD compares: Middle Eastern, 0.033%; no homozygotes.

Submissions (5):

Labcorp Genetics (formerly Invitae), Labcorp
Classification: Likely benign. Last evaluated: 2025-09-11. Review status: criteria provided, single submitter. Criteria: Invitae Variant Classification Sherloc (09022015). Collection method: clinical testing. Allele origin: germline.

Blueprint Genetics
Classification: Likely benign. Last evaluated: 2024-07-03. Review status: criteria provided, single submitter. Criteria: ACMG Guidelines, 2015. Collection method: clinical testing. Allele origin: germline.

GeneDx
Classification: Likely benign. Last evaluated: 2018-08-14. Review status: criteria provided, single submitter. Criteria: GeneDx Variant Classification Process June 2021. Collection method: clinical testing. Allele origin: germline. Affected: yes.

Laboratory for Molecular Medicine, Mass General Brigham Personalized Medicine
Classification: Likely benign. Last evaluated: 2013-09-18. Review status: criteria provided, single submitter. Criteria: LMM Criteria. Collection method: clinical testing. Allele origin: germline. Observed: 1 variant allele.
Comment: Thr701Thr in Exon 08 of WFS1: This variant is not expected to have clinical sign ificance because it does not alter an amino acid residue and is not located with in the splice consensus sequence.

Clinical Genomics, Uppaluri K&H Personalized Medicine Clinic
Classification: Benign for Wolfram syndrome 1. Review status: criteria provided, single submitter. Criteria: K & H Uppaluri Personalized Medicine Clinic Variant Classification & Assertion Criteria_Updated V.1. Collection method: research. Allele origin: unknown. Inheritance: Autosomal recessive inheritance.
Comment: Potent mutations in WFS1 gene are associated with Wolfram's syndrome, an autosomal recessive condition, which cause diabetes mellitus, diabetes insipidus, deafness and optic atrophy. However no sufficient evidence is found to ascertain the role of this particular variant rs113800346 in Wolfram's syndrome yet.

Literature cited by the submitters: PubMed 20738327 (cited by Clinical Genomics, Uppaluri K&H Personalized Medicine Clinic); PubMed 33879153 (cited by Clinical Genomics, Uppaluri K&H Personalized Medicine Clinic); PubMed 12955714 (cited by Clinical Genomics, Uppaluri K&H Personalized Medicine Clinic); PubMed 18060660 (cited by Clinical Genomics, Uppaluri K&H Personalized Medicine Clinic); PubMed 20301750 (cited by Clinical Genomics, Uppaluri K&H Personalized Medicine Clinic); PubMed 17603484 (cited by Clinical Genomics, Uppaluri K&H Personalized Medicine Clinic).